The following is an entry in ClinVar:

ClinVar aggregate classification (germline): Pathogenic (1 of 4 stars; one submission).

Conditions:
Primary ciliary dyskinesia. Also called: Ciliary dyskinesia. Identifiers: Orphanet 244, MedGen C0008780, MONDO:0016575, HP:0012265.

Submission:

Labcorp Genetics (formerly Invitae), Labcorp
Classification: Pathogenic for Primary ciliary dyskinesia. Last evaluated: 2023-05-05. Review status: criteria provided, single submitter. Criteria: Invitae Variant Classification Sherloc (09022015). Collection method: clinical testing. Allele origin: germline.
Comment: For these reasons, this variant has been classified as Pathogenic. Algorithms developed to predict the effect of sequence changes on RNA splicing suggest that this variant may disrupt the consensus splice site. This variant has not been reported in the literature in individuals affected with DNAH11-related conditions. This variant is not present in population databases (gnomAD no frequency). This sequence change creates a premature translational stop signal (p.Thr495Tyrfs*15) in the DNAH11 gene. It is expected to result in an absent or disrupted protein product. Loss-of-function variants in DNAH11 are known to be pathogenic (PMID: 18022865, 20513915, 22184204).

Literature cited by the submitters: PubMed 18022865; PubMed 20513915; PubMed 22184204.

NM_001277115.2(DNAH11):c.1482dup (p.Thr495fs)

Gene: DNAH11 (dynein axonemal heavy chain 11; plus strand). Cytogenetic location: 7p15.3.
Variant type: Duplication.
Coding change: c.1482dup on transcript NM_001277115.2 (MANE Select); coding-DNA position 1482, one base duplicated (T; older notation c.1482dupT).
Protein change: p.Thr495fs; shifts the reading frame from threonine 495.
Molecular consequence: frameshift variant.
Genome position (GRCh38, 1-based): chr7:21,571,862, T duplicated. VCF-style (leftmost placement, unchanged base first): chr7-21571861-G-GT. GRCh37 (hg19) VCF-style: chr7-21611479-G-GT.
Other names: c.1482dup, p.Thr495Tyrfs (NM_003777.3); short protein forms T495fs.
Identifiers: ClinVar variation 2862252 (VCV002862252.3), dbSNP rs2534526700, ClinGen allele CA2739265434.